The following is an entry in ClinVar:

NM_005630.3(SLCO2A1):c.1771C>T (p.Arg591Ter)

Gene: SLCO2A1 (solute carrier organic anion transporter family member 2A1; minus strand). Cytogenetic location: 3q22.1.
Variant type: single nucleotide variant.
Coding change: c.1771C>T on transcript NM_005630.3 (MANE Select); coding-DNA position 1771, C replaced by T.
Protein change: p.Arg591Ter; replaces arginine 591 with a stop codon.
Molecular consequence: nonsense.
Genome position (GRCh38, 1-based): chr3:133,935,817, G>A on the plus strand (C>T on the coding strand, the complement: SLCO2A1 is on the minus strand). VCF-style: chr3-133935817-G-A. GRCh37 (hg19) VCF-style: chr3-133654661-G-A.
Other names: short protein forms R591*.
Identifiers: ClinVar variation 2203442 (VCV002203442.6), dbSNP rs768030732, ClinGen allele CA83692479.
Genomic context (GRCh38, chr3:133,935,817, plus strand): 5'-ACATGATGGGCCCTCACCTGTCTCGGAGAGCATCGTTGTCATAGTAGGCGCAGGCCCCTC[G>A]CCTCCCCAAGCACAGCGAGTTCCACCGGATGCAGGAGTGGTCAATGGTGAGGCCATAGAG-3'

ClinVar aggregate classification (germline): Pathogenic/Likely pathogenic. Review status: criteria provided, multiple submitters, no conflicts (2 of 4 stars). 3 submissions from 3 submitters: Pathogenic (2); Likely pathogenic (1). Last evaluated 2025-07-15.

Conditions:
Hypertrophic osteoarthropathy, primary, autosomal recessive, 2 (PHOAR2E). Also called: PACHYDERMOPERIOSTOSIS, AUTOSOMAL RECESSIVE; PDP, AUTOSOMAL RECESSIVE; HYPERTROPHIC OSTEOARTHROPATHY, PRIMARY, AUTOSOMAL RECESSIVE, 2/ENTEROPATHY SYNDROME; PHOAR2-enteropathy syndrome. Identifiers: Orphanet 2796, MedGen C3280800, MONDO:0013756, OMIM 614441.

Allele frequency attached by ClinVar (database versions not stated): gnomAD 0.00002; TOPMed 0.00001.
gnomAD v4.1: 17 of 1,611,014 alleles (0.0011%); highest among the groups gnomAD compares: East Asian, 0.0067%; 1 homozygote.

Submissions (3):

Labcorp Genetics (formerly Invitae), Labcorp
Classification: Pathogenic. Last evaluated: 2025-07-15. Review status: criteria provided, single submitter. Criteria: Invitae Variant Classification Sherloc (09022015). Collection method: clinical testing. Allele origin: germline.
Comment: This sequence change creates a premature translational stop signal (p.Arg591*) in the SLCO2A1 gene. While this is not anticipated to result in nonsense mediated decay, it is expected to disrupt the last 53 amino acid(s) of the SLCO2A1 protein. The frequency data for this variant in the population databases is considered unreliable, as metrics indicate poor data quality at this position in the gnomAD database. This premature translational stop signal has been observed in individual(s) with clinical features of hypertrophic osteoarthropathy (PMID: 28963081; internal data). In at least one individual the data is consistent with being in trans (on the opposite chromosome) from a pathogenic variant. ClinVar contains an entry for this variant (Variation ID: 2203442). This variant disrupts a region of the SLCO2A1 protein in which other variant(s) (p.Arg603*) have been determined to be pathogenic (PMID: 24153155, 24929850). This suggests that this is a clinically significant region of the protein, and that variants that disrupt it are likely to be disease-causing. For these reasons, this variant has been classified as Pathogenic.

Genetics and Genomic Medicine Centre, NeuroGen Healthcare, NeuroGen Healthcare
Classification: Pathogenic for Hypertrophic osteoarthropathy, primary, autosomal recessive, 2. Last evaluated: 2025-01-25. Review status: criteria provided, single submitter. Criteria: ACMG Guidelines, 2015. Collection method: clinical testing. Allele origin: unknown. Affected: no.

Juno Genomics, Hangzhou Juno Genomics, Inc
Classification: Likely pathogenic for Hypertrophic osteoarthropathy, primary, autosomal recessive, 2. Review status: criteria provided, single submitter. Criteria: ACMG Guidelines, 2015. Collection method: clinical testing. Allele origin: germline. Affected: yes.
Comment: Absent from controls (or at extremely low frequency if recessive) in Genome Aggregation Database, Exome Sequencing Project, 1000 Genomes Project, or Exome Aggregation Consortium.;Null variant in a gene where loss of function (LOF) is a known mechanism of disease.;For recessive disorders, detected in trans with a pathogenic variant.;Patient's phenotype or family history is highly specific for a disease with a single genetic etiology.

Literature cited by the submitters: PubMed 28963081 (cited by Labcorp Genetics (formerly Invitae), Labcorp); PubMed 24153155 (cited by Labcorp Genetics (formerly Invitae), Labcorp); PubMed 24929850 (cited by Labcorp Genetics (formerly Invitae), Labcorp).